The following is an entry in ClinVar:

NM_000179.3(MSH6):c.2081del (p.Cys694fs)

Gene: MSH6 (mutS homolog 6; plus strand). Cytogenetic location: 2p16.3.
Variant type: Deletion.
Coding change: c.2081del on transcript NM_000179.3 (MANE Select); coding-DNA position 2081, one base deleted (G; older notation c.2081delG).
Protein change: p.Cys694fs; shifts the reading frame from cysteine 694.
Molecular consequence: frameshift variant.
Genome position (GRCh38, 1-based): chr2:47,800,064, G deleted. VCF-style (leftmost placement, unchanged base first): chr2-47800063-TG-T. GRCh37 (hg19) VCF-style: chr2-48027202-TG-T.
Other names: c.1784delG, p.Cys595Serfs (NM_001406824.1, NM_001406825.1, NM_001406827.1 and 10 more transcripts); c.1913delG, p.Cys638Serfs (NM_001406826.1); c.1175delG, p.Cys392Serfs (NM_001406829.1, NM_001406811.1, NM_001406812.1 and 4 more transcripts); c.1691del, p.Cys564fs (NM_001281492.2); c.1175del, p.Cys392fs (NM_001281493.2, NM_001281494.2); c.2177delG, p.Cys726Serfs (NM_001406795.1, NM_001406802.1); c.2081delG, p.Cys694Serfs (NM_001406796.1, NM_001406798.1, NM_001406800.1 and 3 more transcripts); c.1556delG, p.Cys519Serfs (NM_001406799.1, NM_001406806.1, NM_001406807.1); and 2 more; short protein forms C694fs, C392fs, C564fs.
Identifiers: ClinVar variation 1785571 (VCV001785571.2), dbSNP rs2530649286, ClinGen allele CA2580067754.

ClinVar aggregate classification (germline): Pathogenic (1 of 4 stars; one submission).

Conditions:
Hereditary cancer-predisposing syndrome. Also called: Neoplastic Syndromes, Hereditary; Tumor predisposition; Hereditary Cancer Syndrome; Hereditary neoplastic syndrome. Identifiers: Orphanet 140162, MedGen C0027672, MeSH D009386, MONDO:0015356.

Submission:

Ambry Genetics
Classification: Pathogenic for Hereditary cancer-predisposing syndrome. Last evaluated: 2021-12-09. Review status: criteria provided, single submitter. Criteria: Ambry Variant Classification Scheme 2023. Collection method: clinical testing. Allele origin: germline.
Comment: The c.2081delG pathogenic mutation, located in coding exon 4 of the MSH6 gene, results from a deletion of one nucleotide at nucleotide position 2081, causing a translational frameshift with a predicted alternate stop codon (p.C694Sfs*42). This alteration is expected to result in loss of function by premature protein truncation or nonsense-mediated mRNA decay. As such, this alteration is interpreted as a disease-causing mutation.